The following is an entry in ClinVar:

NM_006059.4(LAMC3):c.4639G>A (p.Glu1547Lys)

Gene: LAMC3 (laminin subunit gamma 3; plus strand). Cytogenetic location: 9q34.12.
Variant type: single nucleotide variant.
Coding change: c.4639G>A on transcript NM_006059.4 (MANE Select); coding-DNA position 4639, G replaced by A.
Protein change: p.Glu1547Lys; replaces glutamic acid 1547 with lysine.
Molecular consequence: missense variant.
Genome position (GRCh38, 1-based): chr9:131,091,698, G>A. VCF-style: chr9-131091698-G-A. GRCh37 (hg19) VCF-style: chr9-133967085-G-A.
Other names: short protein forms E1547K.
Identifiers: ClinVar variation 975587 (VCV000975587.7), dbSNP rs780728013, ClinGen allele CA5288235.

ClinVar aggregate classification (germline): Uncertain significance. Review status: criteria provided, multiple submitters, no conflicts (2 of 4 stars). 3 submissions from 3 submitters: Uncertain significance (2). 1 of the submissions does not count toward it. Last evaluated 2025-10-27.

Conditions:
Inborn genetic diseases. Identifiers: MedGen C0950123, MeSH D030342.
Intellectual disability. Also called: intellectual disabilities; Intellectual developmental disorder; Intellectual functioning disability. Identifiers: MedGen C3714756, MeSH D008607, MONDO:0001071, HP:0001249.

Allele frequency attached by ClinVar (database versions not stated): TOPMed 0.00004; ExAC 0.00034.
gnomAD v4.1: 68 of 1,611,564 alleles (0.0042%); highest among the groups gnomAD compares: Non-Finnish European, 0.0037%; no homozygotes.

Submissions (3):

Labcorp Genetics (formerly Invitae), Labcorp
Classification: Uncertain significance. Last evaluated: 2025-10-27. Review status: criteria provided, single submitter. Criteria: Invitae Variant Classification Sherloc (09022015). Collection method: clinical testing. Allele origin: germline.
Comment: This sequence change replaces glutamic acid, which is acidic and polar, with lysine, which is basic and polar, at codon 1547 of the LAMC3 protein (p.Glu1547Lys). This variant is present in population databases (rs780728013, gnomAD 0.02%). This variant has not been reported in the literature in individuals affected with LAMC3-related conditions. ClinVar contains an entry for this variant (Variation ID: 975587). An algorithm developed to predict the effect of missense changes on protein structure and function (PolyPhen-2) suggests that this variant is likely to be disruptive. In summary, the available evidence is currently insufficient to determine the role of this variant in disease. Therefore, it has been classified as a Variant of Uncertain Significance.

Ambry Genetics
Classification: Uncertain significance for Inborn genetic diseases. Last evaluated: 2022-12-05. Review status: criteria provided, single submitter. Criteria: Ambry Variant Classification Scheme 2023. Collection method: clinical testing. Allele origin: germline.

Centre de Biologie Pathologie Génétique, Centre Hospitalier Universitaire de Lille
Classification: Likely benign for Intellectual disability. Last evaluated: 2019-01-01. Review status: no assertion criteria provided. Collection method: clinical testing. Allele origin: inherited. Affected: yes. Not counted in ClinVar's aggregate classification.